The following is an entry in ClinVar:

ClinVar aggregate classification (germline): Uncertain significance (1 of 4 stars; one submission).

gnomAD v4.1: 1 of 1,591,312 alleles (0.000063%); highest among the groups gnomAD compares: Non-Finnish European, 0.000086%; no homozygotes.

Submission:

Labcorp Genetics (formerly Invitae), Labcorp
Classification: Uncertain significance. Last evaluated: 2025-04-21. Review status: criteria provided, single submitter. Criteria: Invitae Variant Classification Sherloc (09022015). Collection method: clinical testing. Allele origin: germline.
Comment: This sequence change replaces proline, which is neutral and non-polar, with histidine, which is basic and polar, at codon 52 of the NDUFA2 protein (p.Pro52His). This variant is not present in population databases (gnomAD no frequency). This variant has not been reported in the literature in individuals affected with NDUFA2-related conditions. ClinVar contains an entry for this variant (Variation ID: 1947929). An algorithm developed to predict the effect of missense changes on protein structure and function (PolyPhen-2) suggests that this variant is likely to be disruptive. In summary, the available evidence is currently insufficient to determine the role of this variant in disease. Therefore, it has been classified as a Variant of Uncertain Significance.

NM_002488.5(NDUFA2):c.155C>A (p.Pro52His)

Genes: NDUFA2 (NADH:ubiquinone oxidoreductase subunit A2; minus strand), TMCO6 (transmembrane and coiled-coil domains 6; plus strand). Cytogenetic location: 5q31.3.
Variant type: single nucleotide variant.
Coding change: c.155C>A on transcript NM_002488.5 (MANE Select); coding-DNA position 155, C replaced by A.
Protein change: p.Pro52His; replaces proline 52 with histidine.
Molecular consequence: missense variant. On other transcripts: non-coding transcript variant (1).
Genome position (GRCh38, 1-based): chr5:140,647,309, G>T on the plus strand (C>A on the coding strand, the complement: NDUFA2 is on the minus strand). VCF-style: chr5-140647309-G-T. GRCh37 (hg19) VCF-style: chr5-140026894-G-T.
Other names: c.155C>A, p.Pro52His (NM_001185012.2); short protein forms P52H.
Identifiers: ClinVar variation 1947929 (VCV001947929.5), dbSNP rs2481145595, ClinGen allele CA361216505.